The following is an entry in ClinVar:

NM_000229.2(LCAT):c.370G>A (p.Val124Ile)

Gene: LCAT (lecithin-cholesterol acyltransferase; minus strand). Cytogenetic location: 16q22.1.
Variant type: single nucleotide variant.
Coding change: c.370G>A on transcript NM_000229.2 (MANE Select); coding-DNA position 370, G replaced by A.
Protein change: p.Val124Ile; replaces valine 124 with isoleucine.
Molecular consequence: missense variant.
Genome position (GRCh38, 1-based): chr16:67,942,918, C>T on the plus strand (G>A on the coding strand, the complement: LCAT is on the minus strand). VCF-style: chr16-67942918-C-T. GRCh37 (hg19) VCF-style: chr16-67976821-C-T.
Other names: short protein forms V124I.
Identifiers: ClinVar variation 1734191 (VCV001734191.2), dbSNP rs753579128, ClinGen allele CA8121097.

ClinVar aggregate classification (germline): Uncertain significance (1 of 4 stars; one submission).

Conditions:
Cardiovascular phenotype. Identifiers: MedGen CN230736.

Allele frequency attached by ClinVar (database versions not stated): gnomAD 0.00001; TOPMed 0.00002; gnomAD exomes 0.00003; ExAC 0.00004.
gnomAD v4.1: 41 of 1,613,748 alleles (0.0025%); highest among the groups gnomAD compares: South Asian, 0.041%; no homozygotes.

Submission:

Ambry Genetics
Classification: Uncertain significance for Cardiovascular phenotype. Last evaluated: 2022-02-17. Review status: criteria provided, single submitter. Criteria: Ambry Variant Classification Scheme 2023. Collection method: clinical testing. Allele origin: germline.
Comment: The p.V124I variant (also known as c.370G>A), located in coding exon 3 of the LCAT gene, results from a G to A substitution at nucleotide position 370. The valine at codon 124 is replaced by isoleucine, an amino acid with highly similar properties. This amino acid position is conserved. In addition, the in silico prediction for this alteration is inconclusive. Since supporting evidence is limited at this time, the clinical significance of this alteration remains unclear.